The following is an entry in ClinVar:

ClinVar aggregate classification (germline): Uncertain significance. Review status: criteria provided, multiple submitters, no conflicts (2 of 4 stars). 2 submissions from 2 submitters: Uncertain significance (2). Last evaluated 2024-11-11.

Conditions:
Pitt-Hopkins-like syndrome 2 (PTHSL2). Identifiers: Orphanet 221150, Orphanet 600663, MedGen C3280479, MONDO:0013690, OMIM 614325.

Allele frequency attached by ClinVar (database versions not stated): gnomAD exomes 0.00001; gnomAD 0.00001.
gnomAD v4.1: 8 of 1,613,602 alleles (0.0005%); highest among the groups gnomAD compares: African/African-American, 0.0013%; no homozygotes.

Submissions (2):

Labcorp Genetics (formerly Invitae), Labcorp
Classification: Uncertain significance for Pitt-Hopkins-like syndrome 2. Last evaluated: 2024-11-11. Review status: criteria provided, single submitter. Criteria: Invitae Variant Classification Sherloc (09022015). Collection method: clinical testing. Allele origin: germline.
Comment: This sequence change replaces arginine, which is basic and polar, with tryptophan, which is neutral and slightly polar, at codon 896 of the NRXN1 protein (p.Arg896Trp). This variant is not present in population databases (gnomAD no frequency). This missense change has been observed in individual(s) with clinical features of NRXN1-related conditions (PMID: 30709877, 32942984, 36403551). This variant is also known as R856W. ClinVar contains an entry for this variant (Variation ID: 206248). An algorithm developed to predict the effect of missense changes on protein structure and function (PolyPhen-2) suggests that this variant is likely to be disruptive. Experimental studies have shown that this missense change affects NRXN1 function (PMID: 32942984). In summary, the available evidence is currently insufficient to determine the role of this variant in disease. Therefore, it has been classified as a Variant of Uncertain Significance.

GeneDx
Classification: Uncertain significance. Last evaluated: 2016-05-27. Review status: criteria provided, single submitter. Criteria: GeneDx Variant Classification (06012015). Collection method: clinical testing. Allele origin: germline. Affected: yes.
Comment: The R896W variant has not been published as a mutation, nor has it been reported as a benign polymorphism to our knowledge. It was not observed in approximately 6,100 individuals of European and African American ancestry in the NHLBI Exome Sequencing Project, indicating it is not a common benign variant in these populations. The R896W variant is a non-conservative amino acid substitution, which is likely to impact secondary protein structure as these residues differ in polarity, charge, size and/or other properties. This substitution occurs at a position that is conserved across species, and in silico analysis predicts this variant is probably damaging to the protein structure/function. However, other missense mutations in nearby residues have not been reported in the Human Gene Mutation Database (Stenson et al., 2014). Based on the currently available information, it is unclear whether the R896W variant is a pathogenic mutation or a rare benign variant.

Literature cited by the submitters: PubMed 30709877 (cited by Labcorp Genetics (formerly Invitae), Labcorp); PubMed 32942984 (cited by Labcorp Genetics (formerly Invitae), Labcorp); PubMed 36403551 (cited by Labcorp Genetics (formerly Invitae), Labcorp).

NM_001330078.2(NRXN1):c.2566C>T (p.Arg856Trp)

Gene: NRXN1 (neurexin 1; minus strand). Cytogenetic location: 2p16.3.
Variant type: single nucleotide variant.
Coding change: c.2566C>T on transcript NM_001330078.2 (MANE Select); coding-DNA position 2566, C replaced by T.
Protein change: p.Arg856Trp; replaces arginine 856 with tryptophan.
Molecular consequence: missense variant.
Genome position (GRCh38, 1-based): chr2:50,497,646, G>A on the plus strand (C>T on the coding strand, the complement: NRXN1 is on the minus strand). VCF-style: chr2-50497646-G-A. GRCh37 (hg19) VCF-style: chr2-50724784-G-A.
Other names: p.R896W:CGG>TGG; c.2686C>T, p.Arg896Trp (NM_001135659.3); c.2542C>T, p.Arg848Trp (NM_001330077.2, NM_001330082.2); c.2500C>T, p.Arg834Trp (NM_001330083.2, NM_001330084.2); c.2539C>T, p.Arg847Trp (NM_001330085.2); c.2566C>T, p.Arg856Trp (NM_001330086.2, NM_004801.6); c.2455C>T, p.Arg819Trp (NM_001330087.2, NM_001330096.2); c.2485C>T, p.Arg829Trp (NM_001330088.2); and 3 more; short protein forms R896W, R829W, R847W, R852W, R855W, R856W, R848W, R834W.
Identifiers: ClinVar variation 206248 (VCV000206248.7), dbSNP rs796052777, ClinGen allele CA316143.
Genomic context (GRCh38, chr2:50,497,646, plus strand): 5'-CATTAAATGTCAAGCTCTGCAGGTGTCCAATGAAGTTGGAGGGGACAGAAGAAAGATACC[G>A]TCGTTCTGTGATGATGCCAGTCTCTATGTTATGGAACTCCAGCCTAGTATGATCACCTGC-3'
Protein context (NP_001317007.1, residues 846-866): NIETGIITER[Arg856Trp]YLSSVPSNFI